The following is an entry in ClinVar:

ClinVar aggregate classification (germline): Benign/Likely benign. Review status: criteria provided, multiple submitters, no conflicts (2 of 4 stars). 15 submissions from 15 submitters: Benign (1); Likely benign (8). 6 of the submissions do not count toward it. Last evaluated 2026-05-14.

Conditions:
FHL1-related disorder. Also called: FHL1-related disorders; FHL1-related condition.
Cardiovascular phenotype. Identifiers: MedGen CN230736.
X-linked myopathy with postural muscle atrophy. Also called: FHL1-Related Emery-Dreifuss Muscular Dystrophy, X-Linked. Identifiers: Orphanet 178461, MedGen C2678055, MONDO:0010401, OMIM 300696.

Allele frequency attached by ClinVar (database versions not stated): gnomAD exomes 0.00021; ExAC 0.00026; 1000 Genomes Project 30x 0.00062; gnomAD 0.00068 and 0.00074; 1000 Genomes Project 0.00079; TOPMed 0.00083; ESP Exome Variant Server 0.00095.
gnomAD v4.1: 158 of 1,208,617 alleles (0.013%); highest among the groups gnomAD compares: African/African-American, 0.23%; no homozygotes.

Submissions (15):

Women's Health and Genetics/Laboratory Corporation of America, LabCorp
Classification: Likely benign. Last evaluated: 2026-05-14. Review status: criteria provided, single submitter. Criteria: LabCorp Variant Classification Summary - May 2015. Collection method: clinical testing. Allele origin: germline.
Comment: Variant summary: FHL1 c.938C>T (p.Thr313Met) results in a non-conservative amino acid change in the encoded protein sequence. Algorithms developed to predict the effect of missense changes on protein structure and function are either unavailable or do not agree on the potential impact of this missense change. The variant allele was found at a frequency of 0.00021 in 183470 control chromosomes, predominantly at a frequency of 0.0024 within the African or African-American subpopulation in the gnomAD database. The observed variant frequency within African or African-American control individuals in the gnomAD database exceeds the estimated maximal expected allele frequency for disease-causing variants in FHL1. To our knowledge, no occurrence of c.938C>T in individuals affected with FHL1-related conditions and no experimental evidence demonstrating its impact on protein function have been reported. ClinVar contains an entry for this variant (Variation ID: 239012). Based on the evidence outlined above, the variant was classified as likely benign.

Labcorp Genetics (formerly Invitae), Labcorp
Classification: Benign for X-linked myopathy with postural muscle atrophy. Last evaluated: 2026-01-25. Review status: criteria provided, single submitter. Criteria: Invitae Variant Classification Sherloc (09022015). Collection method: clinical testing. Allele origin: germline.

ARUP Laboratories, Molecular Genetics and Genomics, ARUP Laboratories
Classification: Likely benign. Last evaluated: 2025-05-18. Review status: criteria provided, single submitter. Criteria: ARUP Molecular Germline Variant Investigation Process 2024. Collection method: clinical testing. Allele origin: germline.

Molecular Diagnostic Laboratory for Inherited Cardiovascular Disease, Montreal Heart Institute
Classification: Likely benign. Last evaluated: 2025-04-09. Review status: criteria provided, single submitter. Criteria: ACMG Guidelines, 2015. Collection method: clinical testing. Allele origin: germline. Affected: no.
Comment: BS1;BP4

Blueprint Genetics
Classification: Likely benign. Last evaluated: 2024-11-28. Review status: criteria provided, single submitter. Criteria: ACMG Guidelines, 2015. Collection method: clinical testing. Allele origin: germline.

GeneDx
Classification: Likely benign. Last evaluated: 2020-11-25. Review status: criteria provided, single submitter. Criteria: GeneDx Variant Classification Process June 2021. Collection method: clinical testing. Allele origin: germline. Affected: yes.

Ambry Genetics
Classification: Likely benign for Cardiovascular phenotype. Last evaluated: 2019-03-04. Review status: criteria provided, single submitter. Criteria: Ambry Variant Classification Scheme 2023. Collection method: clinical testing. Allele origin: germline.

Eurofins Ntd Llc (ga)
Classification: Likely benign. Last evaluated: 2015-11-09. Review status: criteria provided, single submitter. Criteria: EGL Classification Definitions 2015. Collection method: clinical testing. Allele origin: germline. Observed: 1 variant allele, 1 hemizygote.

Breakthrough Genomics
Classification: Likely benign. Review status: criteria provided, single submitter. Criteria: ACMG Guidelines, 2015. Collection method: not provided. Allele origin: germline. Inheritance: X-linked inheritance. Affected: yes.

PreventionGenetics, part of Exact Sciences
Classification: Likely benign for FHL1-related condition. Last evaluated: 2021-05-05. Review status: no assertion criteria provided. Collection method: clinical testing. Allele origin: germline. Not counted in ClinVar's aggregate classification.
Comment: This variant is classified as likely benign based on ACMG/AMP sequence variant interpretation guidelines (Richards et al. 2015 PMID: 25741868, with internal and published modifications).

Clinical Genetics DNA and cytogenetics Diagnostics Lab, Erasmus MC, Erasmus Medical Center
Classification: Likely benign. Review status: no assertion criteria provided. Collection method: clinical testing. Allele origin: germline. Affected: yes. Study: VKGL Data-share Consensus. Not counted in ClinVar's aggregate classification.

Clinical Genetics, Academic Medical Center
Classification: Likely benign. Review status: no assertion criteria provided. Collection method: clinical testing. Allele origin: germline. Affected: yes. Study: VKGL Data-share Consensus. Not counted in ClinVar's aggregate classification.

Diagnostic Laboratory, Department of Genetics, University Medical Center Groningen
Classification: Likely benign. Review status: no assertion criteria provided. Collection method: clinical testing. Allele origin: germline. Affected: yes. Study: VKGL Data-share Consensus. Not counted in ClinVar's aggregate classification.

Genome Diagnostics Laboratory, University Medical Center Utrecht
Classification: Likely benign. Review status: no assertion criteria provided. Collection method: clinical testing. Allele origin: germline. Affected: yes. Study: VKGL Data-share Consensus. Not counted in ClinVar's aggregate classification.

Joint Genome Diagnostic Labs from Nijmegen and Maastricht, Radboudumc and MUMC+
Classification: Likely benign. Review status: no assertion criteria provided. Collection method: clinical testing. Allele origin: germline. Affected: yes. Study: VKGL Data-share Consensus. Not counted in ClinVar's aggregate classification.

NM_001159699.2(FHL1):c.786C>T (p.His262=)

Gene: FHL1 (four and a half LIM domains 1; plus strand). Cytogenetic location: Xq26.3.
Variant type: single nucleotide variant.
Coding change: c.786C>T on transcript NM_001159699.2 (MANE Select); coding-DNA position 786, C replaced by T.
Protein change: p.His262=; no amino-acid change (histidine 262 retained).
Molecular consequence: synonymous variant. On other transcripts: missense variant (6), non-coding transcript variant (1).
Genome position (GRCh38, 1-based): chrX:136,209,920, C>T. VCF-style: chrX-136209920-C-T. GRCh37 (hg19) VCF-style: chrX-135292079-C-T.
Other names: c.938C>T (NM_001159702.2); c.738C>T, p.His246= (NM_001159700.2, NM_001159704.1, NM_001167819.1 and 4 more transcripts); c.825C>T, p.His275= (NM_001159701.2); c.938C>T, p.Thr313Met (NM_001159702.3, NM_001369326.1, NM_001369327.2 and 1 more transcripts); c.551C>T, p.Thr184Met (NM_001159703.2); c.599C>T, p.Thr200Met (NM_001330659.2); short protein forms T313M, T200M, T184M.
Identifiers: ClinVar variation 239012 (VCV000239012.32), dbSNP rs141231353, ClinGen allele CA10525122.